The following is an entry in ClinVar:

ClinVar aggregate classification (germline): Uncertain significance. Review status: criteria provided, single submitter (1 of 4 stars). 2 submissions from 2 submitters: Uncertain significance (1). 1 of the submissions does not count toward it. Last evaluated 2024-03-04.

Conditions:
Nephronophthisis. Also called: Juvenile Nephronophthisis. Identifiers: Orphanet 655, MedGen C0687120, MONDO:0019005, HP:0000090.
NPHP4-related disorder. Also called: NPHP4-related condition; NPHP4-related disorders. Identifiers: MedGen CN239384.

Allele frequency attached by ClinVar (database versions not stated): gnomAD 0.00001; ExAC 0.00001; TOPMed 0.00002.
gnomAD v4.1: 16 of 1,610,358 alleles (0.00099%); highest among the groups gnomAD compares: Non-Finnish European, 0.0013%; no homozygotes.

Submissions (2):

Labcorp Genetics (formerly Invitae), Labcorp
Classification: Uncertain significance for Nephronophthisis. Last evaluated: 2024-03-04. Review status: criteria provided, single submitter. Criteria: Invitae Variant Classification Sherloc (09022015). Collection method: clinical testing. Allele origin: germline.
Comment: This sequence change replaces phenylalanine, which is neutral and non-polar, with serine, which is neutral and polar, at codon 1041 of the NPHP4 protein (p.Phe1041Ser). This variant is present in population databases (rs752229026, gnomAD 0.003%). This variant has not been reported in the literature in individuals affected with NPHP4-related conditions. ClinVar contains an entry for this variant (Variation ID: 1027269). Advanced modeling of protein sequence and biophysical properties (such as structural, functional, and spatial information, amino acid conservation, physicochemical variation, residue mobility, and thermodynamic stability) performed at Invitae indicates that this missense variant is expected to disrupt NPHP4 protein function with a positive predictive value of 80%. In summary, the available evidence is currently insufficient to determine the role of this variant in disease. Therefore, it has been classified as a Variant of Uncertain Significance.

PreventionGenetics, part of Exact Sciences
Classification: Uncertain significance for NPHP4-related condition. Last evaluated: 2024-08-24. Review status: no assertion criteria provided. Collection method: clinical testing. Allele origin: germline. Not counted in ClinVar's aggregate classification.
Comment: The NPHP4 c.3122T>C variant is predicted to result in the amino acid substitution p.Phe1041Ser. To our knowledge, this variant has not been reported in the literature. This variant is reported in 0.0027% of alleles in individuals of European (Non-Finnish) descent in gnomAD. At this time, the clinical significance of this variant is uncertain due to the absence of conclusive functional and genetic evidence.

NM_015102.5(NPHP4):c.3122T>C (p.Phe1041Ser)

Gene: NPHP4 (nephrocystin 4; minus strand). Cytogenetic location: 1p36.31.
Variant type: single nucleotide variant.
Coding change: c.3122T>C on transcript NM_015102.5 (MANE Select); coding-DNA position 3122, T replaced by C.
Protein change: p.Phe1041Ser; replaces phenylalanine 1041 with serine.
Molecular consequence: missense variant. On other transcripts: non-coding transcript variant (1).
Genome position (GRCh38, 1-based): chr1:5,874,580, A>G on the plus strand (T>C on the coding strand, the complement: NPHP4 is on the minus strand). VCF-style: chr1-5874580-A-G. GRCh37 (hg19) VCF-style: chr1-5934640-A-G.
Other names: c.1583T>C, p.Phe528Ser (NM_001291593.2); c.1586T>C, p.Phe529Ser (NM_001291594.2); c.3122T>C (NM_015102.4); short protein forms F1041S, F528S, F529S.
Identifiers: ClinVar variation 1027269 (VCV001027269.9), dbSNP rs752229026, ClinGen allele CA553790.